The following is an entry in ClinVar:

NM_001363711.2(DUOX2):c.4631A>G (p.His1544Arg)

Gene: DUOX2 (dual oxidase 2; minus strand). Cytogenetic location: 15q21.1.
Variant type: single nucleotide variant.
Coding change: c.4631A>G on transcript NM_001363711.2 (MANE Select); coding-DNA position 4631, A replaced by G.
Protein change: p.His1544Arg; replaces histidine 1544 with arginine.
Molecular consequence: missense variant.
Genome position (GRCh38, 1-based): chr15:45,094,166, T>C on the plus strand (A>G on the coding strand, the complement: DUOX2 is on the minus strand). VCF-style: chr15-45094166-T-C. GRCh37 (hg19) VCF-style: chr15-45386364-T-C.
Other names: c.4631A>G, p.His1544Arg (NM_014080.5); short protein forms H1544R.
Identifiers: ClinVar variation 2515937 (VCV002515937.10), dbSNP rs754342496, ClinGen allele CA7537446.
Genomic context (GRCh38, chr15:45,094,166, plus strand): 5'-AAGAGAAGGCAGGATACTGGAAGCAGCAGCCAGGGAGGACAGGCTCAGAAGTTCTCATAG[T>C]GGTGCATGAAGTGGGCTCGGTCCTGCCTGTTGACGAGCTGACAGGCCTTCTCTACATTCT-3'
Protein context (NP_001350640.1, residues 1534-1548): NRQDRAHFMH[His1544Arg]YENF

ClinVar aggregate classification (germline): Uncertain significance. Review status: criteria provided, multiple submitters, no conflicts (2 of 4 stars). 5 submissions from 5 submitters: Uncertain significance (5). Last evaluated 2025-11-18.

Conditions:
Inborn genetic diseases. Identifiers: MedGen C0950123, MeSH D030342.
Thyroid dyshormonogenesis 6 (TDH6). Also called: HYPOTHYROIDISM, CONGENITAL, DUE TO DYSHORMONOGENESIS, 6; THYROID HORMONOGENESIS, GENETIC DEFECT IN, 6; Genetic transient congenital hypothyroidism. Identifiers: Orphanet 226316, Orphanet 95716, MedGen C1846632, MONDO:0011792, OMIM 607200.

Allele frequency attached by ClinVar (database versions not stated): gnomAD 0.00001; gnomAD exomes 0.00001; TOPMed 0.00003; ExAC 0.00005.
gnomAD v4.1: 15 of 1,613,926 alleles (0.00093%); highest among the groups gnomAD compares: East Asian, 0.025%; no homozygotes.

Submissions (5):

GeneDx
Classification: Uncertain significance. Last evaluated: 2025-11-18. Review status: criteria provided, single submitter. Criteria: GeneDx Variant Classification Process June 2021. Collection method: clinical testing. Allele origin: germline. Affected: yes.
Comment: Reported in a patient with congenital hypothyroidism who also harbors an additional missense variant in the DUOX2 gene (PMID: 37390946); In silico analysis supports that this missense variant has a deleterious effect on protein structure/function; This variant is associated with the following publications: (PMID: 38105685, 37390946)

Ambry Genetics
Classification: Uncertain significance for Inborn genetic diseases. Last evaluated: 2025-06-07. Review status: criteria provided, single submitter. Criteria: Ambry Variant Classification Scheme 2023. Collection method: clinical testing. Allele origin: germline.

Labcorp Genetics (formerly Invitae), Labcorp
Classification: Uncertain significance. Last evaluated: 2024-10-21. Review status: criteria provided, single submitter. Criteria: Invitae Variant Classification Sherloc (09022015). Collection method: clinical testing. Allele origin: germline.
Comment: This sequence change replaces histidine, which is basic and polar, with arginine, which is basic and polar, at codon 1544 of the DUOX2 protein (p.His1544Arg). This variant is present in population databases (rs754342496, gnomAD 0.06%). This variant has not been reported in the literature in individuals affected with DUOX2-related conditions. ClinVar contains an entry for this variant (Variation ID: 2515937). Invitae Evidence Modeling of protein sequence and biophysical properties (such as structural, functional, and spatial information, amino acid conservation, physicochemical variation, residue mobility, and thermodynamic stability) indicates that this missense variant is expected to disrupt DUOX2 protein function with a positive predictive value of 95%. In summary, the available evidence is currently insufficient to determine the role of this variant in disease. Therefore, it has been classified as a Variant of Uncertain Significance.

Women's Health and Genetics/Laboratory Corporation of America, LabCorp
Classification: Uncertain significance. Last evaluated: 2024-06-21. Review status: criteria provided, single submitter. Criteria: LabCorp Variant Classification Summary - May 2015. Collection method: clinical testing. Allele origin: germline.
Comment: Variant summary: DUOX2 c.4631A>G (p.His1544Arg) results in a non-conservative amino acid change in the encoded protein sequence. Four of five in-silico tools predict a damaging effect of the variant on protein function. The variant allele was found at a frequency of 5.2e-05 in 251408 control chromosomes. This frequency is not significantly higher than estimated for a pathogenic variant in DUOX2 causing Thyroid Dyshormonogenesis 6, allowing no conclusion about variant significance. c.4631A>G has been reported in the literature in individuals affected with permanent congenital hypothyroidism (e.g. Zhang_2023). These data do not allow any conclusion about variant significance. To our knowledge, no experimental evidence demonstrating an impact on protein function has been reported. The following publication have been ascertained in the context of this evaluation (PMID: 37390946). ClinVar contains an entry for this variant (Variation ID: 2515937). Based on the evidence outlined above, the variant was classified as uncertain significance.

Juno Genomics, Hangzhou Juno Genomics, Inc
Classification: Uncertain significance for Thyroid dyshormonogenesis 6. Review status: criteria provided, single submitter. Criteria: ACMG Guidelines, 2015. Collection method: clinical testing. Allele origin: germline.
Comment: Absent from controls (or at extremely low frequency if recessive) in Genome Aggregation Database.;Multiple lines of computational evidence support a deleterious effect on the gene or gene product.

Literature cited by the submitters: PubMed 37390946 (cited by Women's Health and Genetics/Laboratory Corporation of America, LabCorp).